The following is an entry in ClinVar:

NM_001394062.1(MACF1):c.132G>C (p.Lys44Asn)

Gene: MACF1 (microtubule actin crosslinking factor 1; plus strand). Cytogenetic location: 1p34.3.
Variant type: single nucleotide variant.
Coding change: c.132G>C on transcript NM_001394062.1 (MANE Select); coding-DNA position 132, G replaced by C.
Protein change: p.Lys44Asn; replaces lysine 44 with asparagine.
Molecular consequence: missense variant.
Genome position (GRCh38, 1-based): chr1:39,231,204, G>C. VCF-style: chr1-39231204-G-C. GRCh37 (hg19) VCF-style: chr1-39696876-G-C.
Other names: c.243G>C, p.Lys81Asn (NM_012090.5); short protein forms K44N, K81N.
Identifiers: ClinVar variation 3768327 (VCV003768327.1).

ClinVar aggregate classification (germline): Uncertain significance (1 of 4 stars; one submission).

gnomAD v4.1: 3 of 1,614,198 alleles (0.00019%); highest among the groups gnomAD compares: Non-Finnish European, 0.00025%; no homozygotes.

Submission:

Women's Health and Genetics/Laboratory Corporation of America, LabCorp
Classification: Uncertain significance. Last evaluated: 2024-12-03. Review status: criteria provided, single submitter. Criteria: LabCorp Variant Classification Summary - May 2015. Collection method: clinical testing. Allele origin: germline.
Comment: Variant summary: MACF1 c.243G>C (p.Lys81Asn) results in a non-conservative amino acid change located in the Calponin-homology domain (IPR036872) of the encoded protein sequence. Four of four in-silico tools predict a damaging effect of the variant on protein function. The variant was absent in 251488 control chromosomes. The available data on variant occurrences in the general population are insufficient to allow any conclusion about variant significance. To our knowledge, no occurrence of c.243G>C in individuals affected with Lissencephaly 9 With Complex Brainstem Malformation and no experimental evidence demonstrating its impact on protein function have been reported. No submitters have cited clinical-significance assessments for this variant to ClinVar. Based on the evidence outlined above, the variant was classified as uncertain significance.